The following is an entry in ClinVar:

NM_000264.5(PTCH1):c.3038A>G (p.Tyr1013Cys)

Gene: PTCH1 (patched 1; minus strand). Cytogenetic location: 9q22.32.
Variant type: single nucleotide variant.
Coding change: c.3038A>G on transcript NM_000264.5 (MANE Select); coding-DNA position 3038, A replaced by G.
Protein change: p.Tyr1013Cys; replaces tyrosine 1013 with cysteine.
Molecular consequence: missense variant. On other transcripts: non-coding transcript variant (1).
Genome position (GRCh38, 1-based): chr9:95,458,143, T>C on the plus strand (A>G on the coding strand, the complement: PTCH1 is on the minus strand). VCF-style: chr9-95458143-T-C. GRCh37 (hg19) VCF-style: chr9-98220425-T-C.
Other names: c.2882A>G, p.Tyr961Cys (NM_001354918.2); c.2840A>G, p.Tyr947Cys (NM_001083602.3); c.3035A>G, p.Tyr1012Cys (NM_001083603.3); c.2585A>G, p.Tyr862Cys (NM_001083604.3, NM_001083605.3, NM_001083606.3 and 1 more transcripts); short protein forms Y862C, Y1012C, Y1013C, Y947C, Y961C.
Identifiers: ClinVar variation 1936028 (VCV001936028.6), dbSNP rs1588540272, ClinGen allele CA374112526.

ClinVar aggregate classification (germline): Uncertain significance. Review status: criteria provided, multiple submitters, no conflicts (2 of 4 stars). 2 submissions from 2 submitters: Uncertain significance (2). Last evaluated 2026-06-14.

Conditions:
Hereditary cancer-predisposing syndrome. Also called: Neoplastic Syndromes, Hereditary; Tumor predisposition; Hereditary Cancer Syndrome; Hereditary neoplastic syndrome. Identifiers: Orphanet 140162, MedGen C0027672, MeSH D009386, MONDO:0015356.
Gorlin syndrome. Also called: Nevoid Basal Cell Carcinoma Syndrome; Basal cell nevus syndrome. Identifiers: Orphanet 377, MedGen C0004779, MONDO:0007187.

Submissions (2):

Ambry Genetics
Classification: Uncertain significance for Hereditary cancer-predisposing syndrome. Last evaluated: 2026-06-14. Review status: criteria provided, single submitter. Criteria: Ambry Variant Classification Scheme 2023. Collection method: clinical testing. Allele origin: germline.
Comment: The p.Y1013C variant (also known as c.3038A>G), located in coding exon 18 of the PTCH1 gene, results from an A to G substitution at nucleotide position 3038. The tyrosine at codon 1013 is replaced by cysteine, an amino acid with highly dissimilar properties. This amino acid position is conserved. In addition, this alteration is predicted to be deleterious by in silico analysis. Based on the available evidence, the clinical significance of this variant remains unclear.

Labcorp Genetics (formerly Invitae), Labcorp
Classification: Uncertain significance for Gorlin syndrome. Last evaluated: 2022-10-04. Review status: criteria provided, single submitter. Criteria: Invitae Variant Classification Sherloc (09022015). Collection method: clinical testing. Allele origin: germline.
Comment: This sequence change replaces tyrosine, which is neutral and polar, with cysteine, which is neutral and slightly polar, at codon 1013 of the PTCH1 protein (p.Tyr1013Cys). This variant is not present in population databases (gnomAD no frequency). This variant has not been reported in the literature in individuals affected with PTCH1-related conditions. Advanced modeling of protein sequence and biophysical properties (such as structural, functional, and spatial information, amino acid conservation, physicochemical variation, residue mobility, and thermodynamic stability) has been performed at Invitae for this missense variant, however the output from this modeling did not meet the statistical confidence thresholds required to predict the impact of this variant on PTCH1 protein function. In summary, the available evidence is currently insufficient to determine the role of this variant in disease. Therefore, it has been classified as a Variant of Uncertain Significance.